The following is an entry in ClinVar:

NM_000843.4(GRM6):c.2291C>T (p.Thr764Met)

Genes: GRM6 (glutamate metabotropic receptor 6; minus strand), ZNF454 (zinc finger protein 454; plus strand). Cytogenetic location: 5q35.3.
Variant type: single nucleotide variant.
Coding change: c.2291C>T on transcript NM_000843.4 (MANE Select); coding-DNA position 2291, C replaced by T.
Protein change: p.Thr764Met; replaces threonine 764 with methionine.
Molecular consequence: missense variant.
Genome position (GRCh38, 1-based): chr5:178,983,055, G>A on the plus strand (C>T on the coding strand, the complement: GRM6 is on the minus strand). VCF-style: chr5-178983055-G-A. GRCh37 (hg19) VCF-style: chr5-178410056-G-A.
Other names: short protein forms T764M.
Identifiers: ClinVar variation 3352190 (VCV003352190.2).

ClinVar aggregate classification (germline): Uncertain significance. Review status: criteria provided, single submitter (1 of 4 stars). 2 submissions from 2 submitters: Uncertain significance (1). 1 of the submissions does not count toward it. Last evaluated 2024-10-03.

Conditions:
GRM6-related disorder. Also called: GRM6-related condition.

Submissions (2):

Blueprint Genetics
Classification: Uncertain significance. Last evaluated: 2024-10-03. Review status: criteria provided, single submitter. Criteria: ACMG Guidelines, 2015. Collection method: clinical testing. Allele origin: germline.

PreventionGenetics, part of Exact Sciences
Classification: Uncertain significance for GRM6-related condition. Last evaluated: 2024-03-31. Review status: no assertion criteria provided. Collection method: clinical testing. Allele origin: germline. Not counted in ClinVar's aggregate classification.
Comment: The GRM6 c.2291C>T variant is predicted to result in the amino acid substitution p.Thr764Met. To our knowledge, this variant has not been reported in the literature. This variant is reported in 0.0058% of alleles in individuals of Latino descent in gnomAD. At this time, the clinical significance of this variant is uncertain due to the absence of conclusive functional and genetic evidence.